The following is an entry in ClinVar:

NM_000719.7(CACNA1C):c.5924A>C (p.Glu1975Ala)

Genes: CACNA1C (calcium voltage-gated channel subunit alpha1 C; plus strand), CACNA1C-AS1 (CACNA1C antisense RNA 1; minus strand). Cytogenetic location: 12p13.33.
Variant type: single nucleotide variant.
Coding change: c.5924A>C on transcript NM_000719.7 (MANE Select); coding-DNA position 5924, A replaced by C.
Protein change: p.Glu1975Ala; replaces glutamic acid 1975 with alanine.
Molecular consequence: missense variant.
Genome position (GRCh38, 1-based): chr12:2,688,586, A>C. VCF-style: chr12-2688586-A-C. GRCh37 (hg19) VCF-style: chr12-2797752-A-C.
Other names: c.6068A>C, p.Glu2023Ala (NM_001129827.2); c.6047A>C, p.Glu2016Ala (NM_001129829.2); c.6029A>C, p.Glu2010Ala (NM_001129830.3, NM_001167624.3); c.6008A>C, p.Glu2003Ala (NM_001129831.2); c.5984A>C, p.Glu1995Ala (NM_001129832.2); c.5981A>C, p.Glu1994Ala (NM_001129833.2, NM_001129834.2, NM_001129835.2); c.5975A>C, p.Glu1992Ala (NM_001129836.2); c.5948A>C, p.Glu1983Ala (NM_001129837.2, NM_001129838.2); and 6 more; short protein forms E2010A, E2023A, E1975A, E1981A, E1983A, E2003A, E2035A, E1964A.
Identifiers: ClinVar variation 456986 (VCV000456986.9), dbSNP rs1556308664, ClinGen allele CA383384528.
Genomic context (GRCh38, chr12:2,688,586, plus strand): 5'-CACCAGCCACACCTGGCAGCCGAGGCTGGCCCCCACAGCCCGTCCCCACCCTGCGGCTTG[A>C]GGGGGTCGAGTCCAGTGAGAAACTCAACAGCAGCTTCCCATCCATCCACTGCGGCTCCTG-3'
Protein context (NP_000710.5, residues 1965-1985): PPQPVPTLRL[Glu1975Ala]GVESSEKLNS

ClinVar aggregate classification (germline): Uncertain significance (1 of 4 stars; one submission).

Conditions:
Long QT syndrome (LQTS). Identifiers: MedGen C0023976, MeSH D008133, MONDO:0002442. Disease mechanism: loss of function. Inheritance: Various modes of inheritance.

Submission:

Labcorp Genetics (formerly Invitae), Labcorp
Classification: Uncertain significance for Long QT syndrome. Last evaluated: 2017-03-18. Review status: criteria provided, single submitter. Criteria: Invitae Variant Classification Sherloc (09022015). Collection method: clinical testing. Allele origin: germline.
Comment: In summary, this variant is a novel missense change that is not predicted to affect protein function. There is no indication that it causes disease, but the available evidence is currently insufficient to prove that conclusively. Therefore, it has been classified as a Variant of Uncertain Significance. Algorithms developed to predict the effect of missense changes on protein structure and function (SIFT, PolyPhen-2, Align-GVGD) all suggest that this variant is likely to be tolerated, but these predictions have not been confirmed by published functional studies. This variant is not present in population databases (ExAC no frequency) and has not been reported in the literature in individuals with a CACNA1C-related disease. This sequence change replaces glutamic acid with alanine at codon 1975 of the CACNA1C protein (p.Glu1975Ala). The glutamic acid residue is moderately conserved and there is a moderate physicochemical difference between glutamic acid and alanine.